The following is an entry in ClinVar:

NM_001160372.4(TRAPPC9):c.2981G>C (p.Ser994Thr)

Gene: TRAPPC9 (trafficking protein particle complex subunit 9; minus strand). Cytogenetic location: 8q24.3.
Variant type: single nucleotide variant.
Coding change: c.2981G>C on transcript NM_001160372.4 (MANE Select); coding-DNA position 2981, G replaced by C.
Protein change: p.Ser994Thr; replaces serine 994 with threonine.
Molecular consequence: missense variant. On other transcripts: non-coding transcript variant (1).
Genome position (GRCh38, 1-based): chr8:139,885,953, C>G on the plus strand (G>C on the coding strand, the complement: TRAPPC9 is on the minus strand). VCF-style: chr8-139885953-C-G. GRCh37 (hg19) VCF-style: chr8-140898197-C-G.
Other names: c.2954G>C, p.Ser985Thr (NM_001321646.2); c.3002G>C, p.Ser1001Thr (NM_001374682.1); c.2870G>C, p.Ser957Thr (NM_001374683.1); c.2837G>C, p.Ser946Thr (NM_001374684.1); c.2981G>C, p.Ser994Thr (NM_031466.8); short protein forms S994T, S985T, S1001T, S946T, S957T.
Identifiers: ClinVar variation 437026 (VCV000437026.13), dbSNP rs377114410, ClinGen allele CA4892846.

ClinVar aggregate classification (germline): Conflicting classifications of pathogenicity. Review status: criteria provided, conflicting classifications (1 of 4 stars). 4 submissions from 4 submitters: Uncertain significance (2); Likely benign (2). Last evaluated 2023-10-04.

Conditions:
Inborn genetic diseases. Identifiers: MedGen C0950123, MeSH D030342.

Allele frequency attached by ClinVar (database versions not stated): gnomAD exomes 0.00003; ExAC 0.00008; ESP Exome Variant Server 0.00008; TOPMed 0.00012; gnomAD 0.00014 and 0.00016.
gnomAD v4.1: 62 of 1,568,552 alleles (0.004%); highest among the groups gnomAD compares: African/African-American, 0.038%; no homozygotes.

Submissions (4):

GeneDx
Classification: Uncertain significance. Last evaluated: 2023-10-04. Review status: criteria provided, single submitter. Criteria: GeneDx Variant Classification Process June 2021. Collection method: clinical testing. Allele origin: germline. Affected: yes.
Comment: In silico analysis supports that this missense variant does not alter protein structure/function; Has not been previously published as pathogenic or benign to our knowledge

Labcorp Genetics (formerly Invitae), Labcorp
Classification: Uncertain significance. Last evaluated: 2022-08-15. Review status: criteria provided, single submitter. Criteria: Invitae Variant Classification Sherloc (09022015). Collection method: clinical testing. Allele origin: germline.
Comment: This sequence change replaces serine, which is neutral and polar, with threonine, which is neutral and polar, at codon 1092 of the TRAPPC9 protein (p.Ser1092Thr). This variant is present in population databases (rs377114410, gnomAD 0.05%). This variant has not been reported in the literature in individuals affected with TRAPPC9-related conditions. ClinVar contains an entry for this variant (Variation ID: 437026). Algorithms developed to predict the effect of missense changes on protein structure and function output the following: SIFT: "Not Available"; PolyPhen-2: "Benign"; Align-GVGD: "Not Available". The threonine amino acid residue is found in multiple mammalian species, which suggests that this missense change does not adversely affect protein function. In summary, the available evidence is currently insufficient to determine the role of this variant in disease. Therefore, it has been classified as a Variant of Uncertain Significance.

Ambry Genetics
Classification: Likely benign for Inborn genetic diseases. Last evaluated: 2017-01-16. Review status: criteria provided, single submitter. Criteria: Ambry Variant Classification Scheme 2023. Collection method: clinical testing. Allele origin: germline.

Genetic Services Laboratory, University of Chicago
Classification: Likely benign. Last evaluated: 2016-07-29. Review status: criteria provided, single submitter. Criteria: ACMG Guidelines, 2015. Collection method: clinical testing. Allele origin: germline. Affected: no.